The following is an entry in ClinVar:

ClinVar aggregate classification (germline): Likely benign. Review status: criteria provided, multiple submitters, no conflicts (2 of 4 stars). 4 submissions from 4 submitters: Likely benign (3). 1 of the submissions does not count toward it. Last evaluated 2026-01-21.

Conditions:
COL4A3-related disorder. Also called: COL4A3-related condition; COL4A3-Related Disorders.
Autosomal dominant Alport syndrome (ATS3A). Also called: Alport syndrome dominant type; Renal failure and sensorineural hearing loss; ALPORT SYNDROME 3A, AUTOSOMAL DOMINANT. Identifiers: Orphanet 63, Orphanet 88918, MedGen C5882663, MONDO:0007086, OMIM 104200.
Autosomal recessive Alport syndrome (ATS2). Also called: COL4A4 Alport Syndrome and Thin Basement Membrane Nephropathy; ALPORT SYNDROME 2, AUTOSOMAL RECESSIVE; Alport syndrome type 2; COL4A3-Related Nephropathy. Identifiers: Orphanet 63, Orphanet 88919, MedGen C4746745, MONDO:0008762, OMIM 203780.
Benign familial hematuria. Also called: thin basement membrane disease. Identifiers: MedGen C0241908, MONDO:0957317.

Allele frequency attached by ClinVar (database versions not stated): ESP Exome Variant Server 0.00025.

Submissions (4):

Labcorp Genetics (formerly Invitae), Labcorp
Classification: Likely benign. Last evaluated: 2026-01-21. Review status: criteria provided, single submitter. Criteria: Invitae Variant Classification Sherloc (09022015). Collection method: clinical testing. Allele origin: germline.

Blueprint Genetics
Classification: Likely benign. Last evaluated: 2024-08-08. Review status: criteria provided, single submitter. Criteria: ACMG Guidelines, 2015. Collection method: clinical testing. Allele origin: germline.

Fulgent Genetics
Classification: Likely benign for Autosomal dominant Alport syndrome; Hematuria, benign familial, 1; Autosomal recessive Alport syndrome. Last evaluated: 2021-12-16. Review status: criteria provided, single submitter. Criteria: ACMG Guidelines, 2015. Collection method: clinical testing. Allele origin: unknown.

PreventionGenetics, part of Exact Sciences
Classification: Likely benign for COL4A3-related condition. Last evaluated: 2022-04-14. Review status: no assertion criteria provided. Collection method: clinical testing. Allele origin: germline. Not counted in ClinVar's aggregate classification.
Comment: This variant is classified as likely benign based on ACMG/AMP sequence variant interpretation guidelines (Richards et al. 2015 PMID: 25741868, with internal and published modifications).

NM_000091.5(COL4A3):c.3756G>A (p.Ala1252=)

Genes: COL4A3 (collagen type IV alpha 3 chain; plus strand), MFF-DT (MFF divergent transcript; minus strand). Cytogenetic location: 2q36.3.
Variant type: single nucleotide variant.
Coding change: c.3756G>A on transcript NM_000091.5 (MANE Select); coding-DNA position 3756, G replaced by A.
Protein change: p.Ala1252=; no amino-acid change (alanine 1252 retained).
Molecular consequence: synonymous variant.
Genome position (GRCh38, 1-based): chr2:227,298,686, G>A. VCF-style: chr2-227298686-G-A. GRCh37 (hg19) VCF-style: chr2-228163402-G-A.
Other names: c.3756G>A (NM_000091.4).
Identifiers: ClinVar variation 1134716 (VCV001134716.13), dbSNP rs112516617, ClinGen allele CA2147345.
Genomic context (GRCh38, chr2:227,298,686, plus strand): 5'-ATAGAACCTTCCAAGCTCCCTGGCTGGCAATACTGACAGACTTTTCATGAATTCAGGTGC[G>A]CCTGGTCCCCCTGGACCTCCAGGGAGTCATGTAATAGGCATAAAAGGAGACAAAGGGTCT-3'
Protein context (NP_000082.2, residues 1242-1262): GPPGSRGSPG[Ala1252=]PGPPGPPGSH